The following is an entry in ClinVar:

NM_002055.5(GFAP):c.590T>A (p.Ile197Asn)

Gene: GFAP (glial fibrillary acidic protein; minus strand). Cytogenetic location: 17q21.31.
Variant type: single nucleotide variant.
Coding change: c.590T>A on transcript NM_002055.5 (MANE Select); coding-DNA position 590, T replaced by A.
Protein change: p.Ile197Asn; replaces isoleucine 197 with asparagine.
Molecular consequence: missense variant.
Genome position (GRCh38, 1-based): chr17:44,913,756, A>T on the plus strand (T>A on the coding strand, the complement: GFAP is on the minus strand). VCF-style: chr17-44913756-A-T. GRCh37 (hg19) VCF-style: chr17-42991124-A-T.
Other names: p.Ile197Asn; c.590T>A, p.Ile197Asn (NM_001131019.3, NM_001242376.3, NM_001363846.2); short protein forms I197N.
Identifiers: ClinVar variation 376830 (VCV000376830.6), dbSNP rs779356682, ClinGen allele CA8608958.

ClinVar aggregate classification (germline): Uncertain significance. Review status: criteria provided, multiple submitters, no conflicts (2 of 4 stars). 3 submissions from 3 submitters: Uncertain significance (3). Last evaluated 2025-11-05.

Allele frequency attached by ClinVar (database versions not stated): gnomAD exomes 0.00001 and 0.00003; ExAC 0.00002; gnomAD 0.00003; TOPMed 0.00005.
gnomAD v4.1: 46 of 1,613,628 alleles (0.0029%); highest among the groups gnomAD compares: Non-Finnish European, 0.0036%; no homozygotes.

Submissions (3):

Mayo Clinic Laboratories, Mayo Clinic
Classification: Uncertain significance. Last evaluated: 2025-11-05. Review status: criteria provided, single submitter. Criteria: ACMG Guidelines, 2015. Collection method: clinical testing. Allele origin: germline. Observed: 2 variant alleles.
Comment: BS2, PP3_moderate

Labcorp Genetics (formerly Invitae), Labcorp
Classification: Uncertain significance. Last evaluated: 2024-02-09. Review status: criteria provided, single submitter. Criteria: Invitae Variant Classification Sherloc (09022015). Collection method: clinical testing. Allele origin: germline.
Comment: This sequence change replaces isoleucine, which is neutral and non-polar, with asparagine, which is neutral and polar, at codon 197 of the GFAP protein (p.Ile197Asn). This variant is present in population databases (rs779356682, gnomAD 0.003%). This variant has not been reported in the literature in individuals affected with GFAP-related conditions. ClinVar contains an entry for this variant (Variation ID: 376830). Advanced modeling of protein sequence and biophysical properties (such as structural, functional, and spatial information, amino acid conservation, physicochemical variation, residue mobility, and thermodynamic stability) has been performed at Invitae for this missense variant, however the output from this modeling did not meet the statistical confidence thresholds required to predict the impact of this variant on GFAP protein function. In summary, the available evidence is currently insufficient to determine the role of this variant in disease. Therefore, it has been classified as a Variant of Uncertain Significance.

Center for Pediatric Genomic Medicine, Children's Mercy Hospital and Clinics
Classification: Uncertain significance. Last evaluated: 2016-12-30. Review status: criteria provided, single submitter. Criteria: ACMG Guidelines, 2015. Collection method: clinical testing. Allele origin: germline.
ClinVar note: Converted during submission from Uncertain Significance to Uncertain significance.